The following is an entry in ClinVar:

NM_007294.4(BRCA1):c.2450del (p.Gly817fs)

Gene: BRCA1 (BRCA1 DNA repair associated; minus strand). Cytogenetic location: 17q21.31.
Variant type: Deletion.
Coding change: c.2450del on transcript NM_007294.4 (MANE Select); coding-DNA position 2450, one base deleted (G; older notation c.2450delG).
Protein change: p.Gly817fs; shifts the reading frame from glycine 817.
Molecular consequence: frameshift variant. On other transcripts: intron variant (137).
Genome position (GRCh38, 1-based): chr17:43,093,081, C deleted on the plus strand (G on the coding strand, the reverse complement: BRCA1 is on the minus strand); the first of 2 consecutive C bases (chr17:43,093,081-43,093,082); deleting either gives the same sequence. VCF-style (leftmost placement, unchanged base first): chr17-43093080-AC-A. GRCh37 (hg19) VCF-style: chr17-41245097-AC-A.
Other names: 2569delG; c.2450delG (NM_007294.3); c.2069del, p.Gly690fs (NM_001407959.1, NM_001407960.1, NM_001407963.1); c.2066del, p.Gly689fs (NM_001407962.1); c.2306del, p.Gly769fs (NM_001407964.1, NM_001407740.1, NM_001407741.1 and 20 more transcripts); c.1946del, p.Gly649fs (NM_001407965.1); c.1562del, p.Gly521fs (NM_001407966.1, NM_001407967.1); c.2309del, p.Gly770fs (NM_007297.4, NM_001407692.1, NM_001407694.1 and 29 more transcripts); and 43 more; short protein forms G817fs, G770fs, G689fs, G728fs, G746fs, G790fs, G816fs, G521fs.
Identifiers: ClinVar variation 54573 (VCV000054573.3), dbSNP rs80357679, ClinGen allele CA001635.

ClinVar aggregate classification (germline): Pathogenic. Review status: reviewed by expert panel (3 of 4 stars). 2 submissions from 2 submitters: Pathogenic (1). 1 of the submissions does not count toward it. Last evaluated 2016-09-08.

Conditions:
Breast-ovarian cancer, familial, susceptibility to, 1 (BROVCA1). Also called: OVARIAN CANCER, SUSCEPTIBILITY TO; BRCA1 Hereditary Breast and Ovarian Cancer. Identifiers: Orphanet 145, MedGen C2676676, MONDO:0011450, OMIM 604370. Disease mechanism: loss of function.

Submissions (2):

Evidence-based Network for the Interpretation of Germline Mutant Alleles (ENIGMA)
Classification: Pathogenic for Breast-ovarian cancer, familial, susceptibility to, 1. Last evaluated: 2016-09-08. Review status: reviewed by expert panel. Criteria: ENIGMA BRCA1/2 Classification Criteria (2015). Collection method: curation. Allele origin: germline.
Comment: Variant allele predicted to encode a truncated non-functional protein.

Breast Cancer Information Core (BIC) (BRCA1)
Classification: Pathogenic for Breast-ovarian cancer, familial 1. Last evaluated: 1997-11-14. Review status: no assertion criteria provided. Collection method: clinical testing. Allele origin: germline. Affected: yes. Observed: 1 variant allele. Not counted in ClinVar's aggregate classification.